The following is an entry in ClinVar:

NM_000219.6(KCNE1):c.316T>G (p.Cys106Gly)

Gene: KCNE1 (potassium voltage-gated channel subfamily E regulatory subunit 1; minus strand). Cytogenetic location: 21q22.12.
Variant type: single nucleotide variant.
Coding change: c.316T>G on transcript NM_000219.6 (MANE Select); coding-DNA position 316, T replaced by G.
Protein change: p.Cys106Gly; replaces cysteine 106 with glycine.
Molecular consequence: missense variant.
Genome position (GRCh38, 1-based): chr21:34,449,319, A>C on the plus strand (T>G on the coding strand, the complement: KCNE1 is on the minus strand). VCF-style: chr21-34449319-A-C. GRCh37 (hg19) VCF-style: chr21-35821617-A-C.
Other names: c.316T>G, p.Cys106Gly (NM_001127668.4, NM_001127669.4, NM_001127670.4 and 4 more transcripts); short protein forms C106G.
Identifiers: ClinVar variation 3374618 (VCV003374618.2).
Genomic context (GRCh38, chr21:34,449,319, plus strand): 5'-TCGTCTCAGGAAGGTGTGTGTTGGGTTGTTCTATGGCCAGATGGTTTTCAACGACATAGC[A>C]CGACCTGTAGCTCTCCAGGACCCGGGCCTGGACATAGGCCTTGTCCTTCTCTTGCCAGGC-3'
Protein context (NP_000210.2, residues 96-116): QARVLESYRS[Cys106Gly]YVVENHLAIE

Conditions:
Long QT syndrome 5 (LQT5). Identifiers: Orphanet 101016, Orphanet 768, MedGen C1867904, MONDO:0013372, OMIM 613695.

Submission:

Roden Lab, Vanderbilt University Medical Center
No classification provided (evidence only). Condition: Long QT syndrome 5. Review status: no classification provided. Collection method: in vitro. Allele origin: not applicable. Functional consequence: Effect on ion channel function.
ClinVar note: "not provided" was previously submitted as the classification for the variant. However, the classification appeared to be based only on an observation of functional data so it was converted to no classification on 2025-07-30.